The following is an entry in ClinVar:

NM_017934.7(PHIP):c.1025A>G (p.Asp342Gly)

Gene: PHIP (PHIP subunit of CUL4-Ring ligase complex; minus strand). Cytogenetic location: 6q14.1.
Variant type: single nucleotide variant.
Coding change: c.1025A>G on transcript NM_017934.7 (MANE Select); coding-DNA position 1025, A replaced by G.
Protein change: p.Asp342Gly; replaces aspartic acid 342 with glycine.
Molecular consequence: missense variant.
Genome position (GRCh38, 1-based): chr6:79,017,553, T>C on the plus strand (A>G on the coding strand, the complement: PHIP is on the minus strand). VCF-style: chr6-79017553-T-C. GRCh37 (hg19) VCF-style: chr6-79727270-T-C.
Other names: short protein forms D342G.
Identifiers: ClinVar variation 5000299 (VCV005000299.1).

ClinVar aggregate classification (germline): Uncertain significance (1 of 4 stars; one submission).

Conditions:
PHIP-related disorder. Also called: PHIP-related disorders; PHIP-related condition.

Submission:

PreventionGenetics, part of Exact Sciences
Classification: Uncertain significance for PHIP-related condition. Last evaluated: 2025-04-10. Review status: criteria provided, single submitter. Criteria: ACMG Guidelines, 2015. Collection method: clinical testing. Allele origin: germline.
Comment: The PHIP c.1025A>G variant is predicted to result in the amino acid substitution p.Asp342Gly. To our knowledge, this variant has not been reported in the literature or in a large population database (gnomAD), indicating this variant is rare. At this time, the clinical significance of this variant is uncertain due to the absence of conclusive functional and genetic evidence.